The following is an entry in ClinVar:

NM_003839.4(TNFRSF11A):c.1703G>T (p.Arg568Leu)

Gene: TNFRSF11A (TNF receptor superfamily member 11a; plus strand). Cytogenetic location: 18q21.33.
Variant type: single nucleotide variant.
Coding change: c.1703G>T on transcript NM_003839.4 (MANE Select); coding-DNA position 1703, G replaced by T.
Protein change: p.Arg568Leu; replaces arginine 568 with leucine.
Molecular consequence: missense variant. On other transcripts: 3 prime UTR variant (1).
Genome position (GRCh38, 1-based): chr18:62,384,886, G>T. VCF-style: chr18-62384886-G-T. GRCh37 (hg19) VCF-style: chr18-60052119-G-T.
Other names: c.*127G>T (NM_001270949.2); c.866G>T, p.Arg289Leu (NM_001270950.2); c.752G>T, p.Arg251Leu (NM_001270951.2); c.1661G>T, p.Arg554Leu (NM_001278268.2); short protein forms R251L, R289L, R554L, R568L.
Identifiers: ClinVar variation 3061091 (VCV003061091.4), dbSNP rs375618864, ClinGen allele CA402620338.

ClinVar aggregate classification (germline): Uncertain significance. Review status: criteria provided, single submitter (1 of 4 stars). 2 submissions from 2 submitters: Uncertain significance (1). 1 of the submissions does not count toward it. Last evaluated 2024-11-11.

Conditions:
TNFRSF11A-related disorder. Also called: TNFRSF11A-related condition.

gnomAD v4.1: 4 of 1,589,586 alleles (0.00025%); highest among the groups gnomAD compares: East Asian, 0.0023%; no homozygotes.

Submissions (2):

Labcorp Genetics (formerly Invitae), Labcorp
Classification: Uncertain significance. Last evaluated: 2024-11-11. Review status: criteria provided, single submitter. Criteria: Invitae Variant Classification Sherloc (09022015). Collection method: clinical testing. Allele origin: germline.
Comment: This sequence change replaces arginine, which is basic and polar, with leucine, which is neutral and non-polar, at codon 568 of the TNFRSF11A protein (p.Arg568Leu). The frequency data for this variant in the population databases is considered unreliable, as metrics indicate poor data quality at this position in the gnomAD database. This variant has not been reported in the literature in individuals affected with TNFRSF11A-related conditions. ClinVar contains an entry for this variant (Variation ID: 3061091). An algorithm developed to predict the effect of missense changes on protein structure and function (PolyPhen-2) suggests that this variant is likely to be disruptive. In summary, the available evidence is currently insufficient to determine the role of this variant in disease. Therefore, it has been classified as a Variant of Uncertain Significance.

PreventionGenetics, part of Exact Sciences
Classification: Uncertain significance for TNFRSF11A-related condition. Last evaluated: 2024-01-18. Review status: no assertion criteria provided. Collection method: clinical testing. Allele origin: germline. Not counted in ClinVar's aggregate classification.
Comment: The TNFRSF11A c.1703G>T variant is predicted to result in the amino acid substitution p.Arg568Leu. To our knowledge, this variant has not been reported in the literature. This variant is reported in 0.0066% of alleles in individuals of East Asian descent in gnomAD. At this time, the clinical significance of this variant is uncertain due to the absence of conclusive functional and genetic evidence.